The following is an entry in ClinVar:

ClinVar aggregate classification (germline): Pathogenic/Likely pathogenic. Review status: criteria provided, multiple submitters, no conflicts (2 of 4 stars). 3 submissions from 3 submitters: Pathogenic (1); Likely pathogenic (1). 1 of the submissions does not count toward it. Last evaluated 2024-06-19.

Conditions:
Arrhythmogenic right ventricular dysplasia 8 (ARVD8). Also called: Arrhythmogenic Right Ventricular Dysplasia/Cardiomyopathy 8; ARRHYTHMOGENIC RIGHT VENTRICULAR DYSPLASIA, FAMILIAL, 8; ARRHYTHMOGENIC RIGHT VENTRICULAR CARDIOMYOPATHY 8. Identifiers: MedGen C1843896, MONDO:0011831, OMIM 607450.
Arrhythmogenic cardiomyopathy with wooly hair and keratoderma. Also called: Arrhythmogenic cardiomyopathy with woolly hair and keratoderma; Carvajal syndrome; PALMOPLANTAR KERATODERMA WITH LEFT VENTRICULAR CARDIOMYOPATHY AND WOOLLY HAIR; Dilated cardiomyopathy with woolly hair and keratoderma. Identifiers: Orphanet 65282, MedGen C1854063, MONDO:0011581, OMIM 605676.
Arrhythmogenic right ventricular cardiomyopathy (ARVD). Also called: Arrhythmogenic cardiomyopathy; Arrhythmogenic Right Ventricular Cardiomyopathy (ARVC); Arrhythmogenic right ventricular dysplasia; Cardiomyopathy, ARVC. Identifiers: Orphanet 247, MedGen C0349788, MeSH D019571, MONDO:0016587. Disease mechanism: loss of function. Inheritance: Various modes of inheritance.
DSP-related disorder. Also called: DSP-related condition; DSP-related disorders.

Submissions (3):

Blueprint Genetics
Classification: Likely pathogenic for DSP-related disorders. Last evaluated: 2024-06-19. Review status: criteria provided, single submitter. Criteria: ACMG Guidelines, 2015. Collection method: clinical testing. Allele origin: germline. Affected: yes. Observed: 1 variant allele.

Labcorp Genetics (formerly Invitae), Labcorp
Classification: Pathogenic for Arrhythmogenic cardiomyopathy with wooly hair and keratoderma; Arrhythmogenic right ventricular dysplasia 8. Last evaluated: 2018-07-24. Review status: criteria provided, single submitter. Criteria: Invitae Variant Classification Sherloc (09022015). Collection method: clinical testing. Allele origin: germline.
Comment: For these reasons, this variant has been classified as Pathogenic. Loss-of-function variants in DSP are known to be pathogenic (PMID: 20716751, 24503780, 25227139). This variant has not been reported in the literature in individuals with DSP-related disease. This variant is not present in population databases (ExAC no frequency). This sequence change creates a premature translational stop signal (p.Gln833*) in the DSP gene. It is expected to result in an absent or disrupted protein product.

Sangiuolo Lab - Medical Genetics Laboratory, Tor Vergata University
Classification: Pathogenic for Arrhythmogenic right ventricular cardiomyopathy. Last evaluated: 2023-01-10. Review status: no assertion criteria provided. Collection method: clinical testing. Allele origin: germline. Affected: yes. Not counted in ClinVar's aggregate classification.

Literature cited by the submitters: PubMed 20716751 (cited by Labcorp Genetics (formerly Invitae), Labcorp); PubMed 24503780 (cited by Labcorp Genetics (formerly Invitae), Labcorp); PubMed 25227139 (cited by Labcorp Genetics (formerly Invitae), Labcorp).

NM_004415.4(DSP):c.2497C>T (p.Gln833Ter)

Gene: DSP (desmoplakin; plus strand). Cytogenetic location: 6p24.3.
Variant type: single nucleotide variant.
Coding change: c.2497C>T on transcript NM_004415.4 (MANE Select); coding-DNA position 2497, C replaced by T.
Protein change: p.Gln833Ter; replaces glutamine 833 with a stop codon.
Molecular consequence: nonsense.
Genome position (GRCh38, 1-based): chr6:7,575,355, C>T. VCF-style: chr6-7575355-C-T. GRCh37 (hg19) VCF-style: chr6-7575588-C-T.
Other names: c.2497C>T (LRG_423t1); c.2497C>T, p.Gln833Ter (NM_001008844.3, NM_001319034.2); short protein forms Q833*.
Identifiers: ClinVar variation 572718 (VCV000572718.9), dbSNP rs1561693779, ClinGen allele CA362681468.